The following is an entry in ClinVar:

ClinVar aggregate classification (germline): Uncertain significance (1 of 4 stars; one submission).

Submission:

GeneDx
Classification: Uncertain significance. Last evaluated: 2022-10-20. Review status: criteria provided, single submitter. Criteria: GeneDx Variant Classification Process June 2021. Collection method: clinical testing. Allele origin: germline. Affected: yes.
Comment: Not observed at significant frequency in large population cohorts (gnomAD); In silico analysis supports that this missense variant has a deleterious effect on protein structure/function; Has not been previously published as pathogenic or benign to our knowledge

NM_139125.4(MASP1):c.596G>A (p.Ser199Asn)

Gene: MASP1 (MBL associated serine protease 1; minus strand). Cytogenetic location: 3q27.3.
Variant type: single nucleotide variant.
Coding change: c.596G>A on transcript NM_139125.4 (MANE Select); coding-DNA position 596, G replaced by A.
Protein change: p.Ser199Asn; replaces serine 199 with asparagine.
Molecular consequence: missense variant. On other transcripts: non-coding transcript variant (1).
Genome position (GRCh38, 1-based): chr3:187,256,812, C>T on the plus strand (G>A on the coding strand, the complement: MASP1 is on the minus strand). VCF-style: chr3-187256812-C-T. GRCh37 (hg19) VCF-style: chr3-186974600-C-T.
Other names: c.596G>A, p.Ser199Asn (NM_001031849.3, NM_001879.6); short protein forms S199N.
Identifiers: ClinVar variation 2499685 (VCV002499685.1), dbSNP rs2474160798, ClinGen allele CA355745170.